The following is an entry in ClinVar:

NM_001267550.2(TTN):c.17506dup (p.Gln5836fs)

Genes: TTN (titin; minus strand), LOC126806431 (CDK7 strongly-dependent group 2 enhancer GRCh37_chr2:179595719-179596918; plus strand). Cytogenetic location: 2q31.2.
Variant type: Duplication.
Coding change: c.17506dup on transcript NM_001267550.2 (MANE Select); coding-DNA position 17506, one base duplicated (C; older notation c.17506dupC).
Protein change: p.Gln5836fs; shifts the reading frame from glutamine 5836.
Molecular consequence: frameshift variant. On other transcripts: intron variant (3).
Genome position (GRCh38, 1-based): chr2:178,731,159, G duplicated on the plus strand (C on the coding strand, the reverse complement: TTN is on the minus strand); the first of 3 consecutive G bases (chr2:178,731,159-178,731,161); duplicating any one gives the same sequence. VCF-style (leftmost placement, unchanged base first): chr2-178731158-T-TG. GRCh37 (hg19) VCF-style: chr2-179595885-T-TG.
Other names: c.16555dup, p.Gln5519fs (NM_001256850.1); c.13774dup, p.Gln4592fs (NM_133378.4); c.13282+6923dup (NM_003319.4); c.13858+6923dup (NM_133437.4); c.13657+6923dup (NM_133432.3); short protein forms Q5519fs, Q5836fs, Q4592fs.
Identifiers: ClinVar variation 2953747 (VCV002953747.3), dbSNP rs2530045961, ClinGen allele CA2740096263.
Genomic context (GRCh38, chr2:178,731,158, plus strand): 5'-CATTTGGCTGTAATCTCCTTAGTCCCTGAAAATTTAACCTGCAAAGTGGCTGGGTCTCCT[T>TG]GGGTGACATCTATAGACACAGCTTCCTCGGTGATTGTTGCAGGTTCTGTAGAAAACAAAG-3'

ClinVar aggregate classification (germline): Likely pathogenic (1 of 4 stars; one submission).

Conditions:
Autosomal recessive limb-girdle muscular dystrophy type 2J (LGMDR10). Also called: Limb-girdle muscular dystrophy, type 2J; MUSCULAR DYSTROPHY, LIMB-GIRDLE, AUTOSOMAL RECESSIVE 10. Identifiers: Orphanet 140922, MedGen C1837342, MONDO:0012127, OMIM 608807.
Dilated cardiomyopathy 1G (CMD1G). Identifiers: Orphanet 154, MedGen C1858763, MONDO:0011400, OMIM 604145.

Submission:

Labcorp Genetics (formerly Invitae), Labcorp
Classification: Likely pathogenic for Dilated cardiomyopathy 1G; Autosomal recessive limb-girdle muscular dystrophy type 2J. Last evaluated: 2023-11-10. Review status: criteria provided, single submitter. Criteria: Invitae Variant Classification Sherloc (09022015). Collection method: clinical testing. Allele origin: germline.
Comment: This sequence change creates a premature translational stop signal (p.Gln5836Profs*10) in the TTN gene. While this is not anticipated to result in nonsense mediated decay, it is expected to create a truncated TTN protein. This variant is not present in population databases (gnomAD no frequency). This variant has not been reported in the literature in individuals affected with TTN-related conditions. This variant is located in the I band of TTN (PMID: 25589632). Truncating variants in this region have been reported in individuals affected with autosomal recessive centronuclear myopathy (PMID: 23975875). Truncating variants in this region have also been identified in individuals affected with autosomal dominant dilated cardiomyopathy and/or cardio-related conditions (PMID: 27869827, 32964742). In summary, the currently available evidence indicates that the variant is pathogenic, but additional data are needed to prove that conclusively. Therefore, this variant has been classified as Likely Pathogenic.

Literature cited by the submitters: PubMed 25589632; PubMed 23975875; PubMed 27869827; PubMed 32964742.